The following is an entry in ClinVar:

ClinVar aggregate classification (germline): Pathogenic. Review status: criteria provided, single submitter (1 of 4 stars). 2 submissions from 2 submitters: Pathogenic (1). 1 of the submissions does not count toward it. Last evaluated 2023-12-11.

Conditions:
Anauxetic dysplasia. Identifiers: Orphanet 93347, MedGen C1846796, MONDO:0011773.
Metaphyseal chondrodysplasia, McKusick type (CHH). Also called: Cartilage-Hair Hypoplasia (CHH); Cartilage-hair hypoplasia. Identifiers: Orphanet 175, MedGen C0220748, MONDO:0009595, OMIM 250250.

Allele frequency attached by ClinVar (database versions not stated): gnomAD exomes below 0.00001 and 0.00001; gnomAD 0.00001; TOPMed 0.00001.

Submissions (2):

Labcorp Genetics (formerly Invitae), Labcorp
Classification: Pathogenic for Anauxetic dysplasia. Last evaluated: 2023-12-11. Review status: criteria provided, single submitter. Criteria: Invitae Variant Classification Sherloc (09022015). Collection method: clinical testing. Allele origin: germline.
Comment: This variant occurs in the RMRP gene, which encodes an RNA molecule that does not result in a protein product. This variant is present in population databases (no rsID available, gnomAD 0.02%). While this particular variant has not been reported in the literature, it is located in the promoter region between the TATA box and the transcription initiation site, and other insertions and duplications immediately upstream of the coding sequence have been reported in individuals affected with cartilage-hair hypoplasia-anauxetic dysplasia (CHH-AD) spectrum disorders (PMID: 16244706, 11207361, 12107819). While functional studies for this variant have not been reported, experimental analyses using patient derived cells, as well as in vitro transfection studies, have shown that promoter insertions result in silencing of RMRP transcription and reduced expression of the gene product (PMID: 11207361, 16254002). For these reasons, this variant has been classified as Pathogenic.

Counsyl
Classification: Likely pathogenic for Metaphyseal chondrodysplasia, McKusick type. Last evaluated: 2018-05-29. Review status: no assertion criteria provided. Collection method: clinical testing. Allele origin: unknown. Not counted in ClinVar's aggregate classification.

Literature cited by the submitters: PubMed 16244706 (cited by Labcorp Genetics (formerly Invitae), Labcorp); PubMed 11207361 (cited by Labcorp Genetics (formerly Invitae), Labcorp and Counsyl); PubMed 12107819 (cited by Labcorp Genetics (formerly Invitae), Labcorp); PubMed 16254002 (cited by Labcorp Genetics (formerly Invitae), Labcorp); PubMed 17937437 (cited by Counsyl); PubMed 14608646 (cited by Counsyl).

NC_000009.12:g.35658023_35658041dup

Gene: RMRP (RNA component of mitochondrial RNA processing endoribonuclease; minus strand). Cytogenetic location: 9p13.3.
Variant type: Duplication.
Genome position: GRCh38 VCF-style: chr9-35658022-T-TCCTCAGCTTCACAGAGTAG. GRCh37 (hg19) VCF-style: chr9-35658019-T-TCCTCAGCTTCACAGAGTAG.
Identifiers: ClinVar variation 558582 (VCV000558582.11), dbSNP rs1554651428, ClinGen allele CA587570201.